The following is an entry in ClinVar:

NM_014491.4(FOXP2):c.598-1G>A

Gene: FOXP2 (forkhead box P2; plus strand). Cytogenetic location: 7q31.1.
Variant type: single nucleotide variant.
Coding change: c.598-1G>A on transcript NM_014491.4 (MANE Select); the canonical splice acceptor site of the intron before coding-DNA position 598, G replaced by A.
Molecular consequence: splice acceptor variant. On other transcripts: intron variant (1).
Genome position (GRCh38, 1-based): chr7:114,631,527, G>A. VCF-style: chr7-114631527-G-A. GRCh37 (hg19) VCF-style: chr7-114271582-G-A.
Other names: c.673-1G>A (NM_148898.4, NM_001172767.2); c.649-1G>A (NM_148900.4); c.598-4G>A (NM_001172766.3); c.598-1G>A (NM_148899.3).
Identifiers: ClinVar variation 4874201 (VCV004874201.2).

ClinVar aggregate classification (germline): Pathogenic (1 of 4 stars; one submission).

Submission:

CeGaT Center for Human Genetics Tuebingen
Classification: Pathogenic. Last evaluated: 2026-06-01. Review status: criteria provided, single submitter. Criteria: CeGaT Center For Human Genetics Tuebingen Variant Classification Criteria Version 2. Collection method: clinical testing. Allele origin: germline. Affected: yes. Observed: 1 variant allele.
Comment: FOXP2: PVS1, PM2